The following is an entry in ClinVar:

NM_000155.4(GALT):c.820+50_*789delinsGAATAGACCCCA

Gene: GALT (galactose-1-phosphate uridylyltransferase; plus strand). Cytogenetic location: 9p13.3.
Variant type: Indel.
Coding change: c.820+50_*789delinsGAATAGACCCCA on transcript NM_000155.4; 50 bases into the intron after coding-DNA position 820 through 789 bases downstream of the stop codon, the reference bases replaced by GAATAGACCCCA.
Genome position (GRCh38, 1-based): chr9:34,648,944-34,651,238, 2,295 bases replaced. GRCh37 (hg19): chr9:34,648,941-34,651,235.
Other names: NM_000155.2(GALT):c.[-1039_753del;820+50_*789delinsGAATAGACCCCA].
Identifiers: ClinVar variation 1064541 (VCV001064541.2).

ClinVar aggregate classification (germline): Pathogenic (3 of 4 stars; one submission).

Conditions:
Galactosemia. Also called: Galactose intolerance. Identifiers: Orphanet 352, MedGen C0016952, MONDO:0018116, HP:0004919. Disease mechanism: loss of function.

Submission:

Clingen Galactosemia Variant Curation Expert Panel, ClinGen
Classification: Pathogenic for Galactosemia. Last evaluated: 2026-06-23. Review status: reviewed by expert panel. Criteria: ClinGen Galactosemia ACMG Specifications GALT V1.1. Collection method: curation. Allele origin: germline. Inheritance: Autosomal recessive inheritance.
Comment: The [c.-1039_753del;820+51_*789delinsGAATAGACCCCA] variant in GALT is a large multi exon deletion of exons 1-7 and 9-11 with a small portion of exon 8 and intron 8 retained predicted to lead to nonsense mediated decay in a gene in which loss-of-function is an established disease mechanism (PVS1; PMIDs:2940989, 22944367). Please note the exact nomenclature of this deletion may vary slightly and may also be described as the 5.2kb or the 5.5kb deletion (PMID 20301691). This variant has been detected in at least 8 individuals with galactosemia. Of those individuals, 1 was compound heterozygous for the variant and a pathogenic or likely pathogenic variant and was confirmed in trans by parental/family testing (PMID 16540753, PM3=1). One individual was homozygous for the variant (PMID 11286505, PM3=0.5; PM3). At least two patients with this variant displayed undetectable GALT activity, which is highly specific for galactosemia (PP4_moderate, PMID 11286505, PMID 16540753). In summary, this variant meets the criteria to be classified as pathogenic for galactosemia based on the ACMG/AMP criteria applied, as specified by the ClinGen Galactosemia VCEP: PVS1, PM3 (GALT specifications v1.0.0).